The following is an entry in ClinVar:

NM_182961.4(SYNE1):c.19163C>T (p.Ser6388Leu)

Gene: SYNE1 (spectrin repeat containing nuclear envelope protein 1; minus strand). Cytogenetic location: 6q25.2.
Variant type: single nucleotide variant.
Coding change: c.19163C>T on transcript NM_182961.4 (MANE Select); coding-DNA position 19163, C replaced by T.
Protein change: p.Ser6388Leu; replaces serine 6388 with leucine.
Molecular consequence: missense variant.
Genome position (GRCh38, 1-based): chr6:152,255,688, G>A on the plus strand (C>T on the coding strand, the complement: SYNE1 is on the minus strand). VCF-style: chr6-152255688-G-A. GRCh37 (hg19) VCF-style: chr6-152576823-G-A.
Other names: c.18950C>T, p.Ser6317Leu (NM_033071.5); short protein forms S6317L, S6388L.
Identifiers: ClinVar variation 2151421 (VCV002151421.4), dbSNP rs774792553, ClinGen allele CA4054745.

ClinVar aggregate classification (germline): Uncertain significance (1 of 4 stars; one submission).

Conditions:
Autosomal recessive ataxia, Beauce type. Also called: SYNE1-Related Autosomal Recessive Cerebellar Ataxia; Spinocerebellar ataxia, autosomal recessive 8; ATAXIA, RECESSIVE, OF BEAUCE; SYNE1 Deficiency. Identifiers: Orphanet 88644, MedGen C1853116, MONDO:0012549, OMIM 610743.
Emery-Dreifuss muscular dystrophy 4, autosomal dominant (EDMD4). Also called: EMERY-DREIFUSS MUSCULAR DYSTROPHY 4 WITH VARIABLE FEATURES. Identifiers: Orphanet 261, MedGen C2751807, MONDO:0013071, OMIM 612998.

Allele frequency attached by ClinVar (database versions not stated): ExAC 0.00001; gnomAD 0.00001; gnomAD exomes 0.00001.
gnomAD v4.1: 5 of 1,614,112 alleles (0.00031%); highest among the groups gnomAD compares: Admixed American, 0.0017%; no homozygotes.

Submission:

Labcorp Genetics (formerly Invitae), Labcorp
Classification: Uncertain significance for Emery-Dreifuss muscular dystrophy 4, autosomal dominant; Autosomal recessive ataxia, Beauce type. Last evaluated: 2022-11-19. Review status: criteria provided, single submitter. Criteria: Invitae Variant Classification Sherloc (09022015). Collection method: clinical testing. Allele origin: germline.
Comment: This sequence change replaces serine, which is neutral and polar, with leucine, which is neutral and non-polar, at codon 6317 of the SYNE1 protein (p.Ser6317Leu). This variant is present in population databases (rs774792553, gnomAD 0.0009%). This variant has not been reported in the literature in individuals affected with SYNE1-related conditions. Algorithms developed to predict the effect of missense changes on protein structure and function are either unavailable or do not agree on the potential impact of this missense change (SIFT: "Deleterious"; PolyPhen-2: "Possibly Damaging"; Align-GVGD: "Class C15"). In summary, the available evidence is currently insufficient to determine the role of this variant in disease. Therefore, it has been classified as a Variant of Uncertain Significance.